The following is an entry in ClinVar:

ClinVar aggregate classification (germline): Uncertain significance (1 of 4 stars; one submission).

Submission:

Labcorp Genetics (formerly Invitae), Labcorp
Classification: Uncertain significance. Last evaluated: 2022-04-12. Review status: criteria provided, single submitter. Criteria: Invitae Variant Classification Sherloc (09022015). Collection method: clinical testing. Allele origin: germline.
Comment: This variant has not been reported in the literature in individuals affected with PIGU-related conditions. In summary, the available evidence is currently insufficient to determine the role of this variant in disease. Therefore, it has been classified as a Variant of Uncertain Significance. Algorithms developed to predict the effect of missense changes on protein structure and function are either unavailable or do not agree on the potential impact of this missense change (SIFT: "Deleterious"; PolyPhen-2: "Possibly Damaging"; Align-GVGD: "Class C0"). This variant is not present in population databases (gnomAD no frequency). This sequence change replaces alanine, which is neutral and non-polar, with glycine, which is neutral and non-polar, at codon 305 of the PIGU protein (p.Ala305Gly).

NM_080476.5(PIGU):c.914C>G (p.Ala305Gly)

Gene: PIGU (phosphatidylinositol glycan anchor biosynthesis class U; minus strand). Cytogenetic location: 20q11.22.
Variant type: single nucleotide variant.
Coding change: c.914C>G on transcript NM_080476.5 (MANE Select); coding-DNA position 914, C replaced by G.
Protein change: p.Ala305Gly; replaces alanine 305 with glycine.
Molecular consequence: missense variant.
Genome position (GRCh38, 1-based): chr20:34,585,449, G>C on the plus strand (C>G on the coding strand, the complement: PIGU is on the minus strand). VCF-style: chr20-34585449-G-C. GRCh37 (hg19) VCF-style: chr20-33173253-G-C.
Other names: short protein forms A305G.
Identifiers: ClinVar variation 2123289 (VCV002123289.4), dbSNP rs2516189344, ClinGen allele CA408667223.